The following is an entry in ClinVar:

ClinVar aggregate classification (germline): Uncertain significance (1 of 4 stars; one submission).

Conditions:
Glucocorticoid deficiency with achalasia (AAAS). Also called: Achalasia-Addisonianism-Alacrima (Triple-A) Syndrome; Triple-A syndrome; Addisonian achalasia syndrome; AAA syndrome; Allgrove syndrome; Alacrima-achalasia-addisonianism. Identifiers: Orphanet 869, MedGen C0271742, MONDO:0009279, OMIM 231550.

Allele frequency attached by ClinVar (database versions not stated): gnomAD exomes below 0.00001; gnomAD 0.00001; TOPMed 0.00001.
gnomAD v4.1: 4 of 1,613,980 alleles (0.00025%); highest among the groups gnomAD compares: Non-Finnish European, 0.00034%; no homozygotes.

Submission:

Molecular Genetics, Royal Melbourne Hospital
Classification: Uncertain significance for Glucocorticoid deficiency with achalasia. Last evaluated: 2021-08-10. Review status: criteria provided, single submitter. Criteria: ACMG Guidelines, 2015. Collection method: clinical testing. Allele origin: germline.
Comment: This sequence change is predicted to replace proline with serine at codon 283 of the AAAS protein (p.(Pro283Ser)). The proline residue is moderately conserved (100 vertebrates, UCSC), and is located in the WD 4 repeat. There is a moderate physicochemical difference between proline and serine. The variant is present in a single individual in a large population cohort (absent in gnomAD v2.1 and 1/152,126 alleles in gnomAD v3.1), and has not been reported in the relevant medical literature or databases. Multiple lines of computational evidence have conflicting predictions for the missense substitution (4/6 algorithms predict benign). Based on the classification scheme RMH Modified ACMG Guidelines v1.4.0, this variant is classified as a VARIANT OF UNCERTAIN SIGNIFICANCE. Following criteria are met: PM2_Supporting.

NM_015665.6(AAAS):c.847C>T (p.Pro283Ser)

Gene: AAAS (aladin WD repeat nucleoporin; minus strand). Cytogenetic location: 12q13.13.
Variant type: single nucleotide variant.
Coding change: c.847C>T on transcript NM_015665.6 (MANE Select); coding-DNA position 847, C replaced by T.
Protein change: p.Pro283Ser; replaces proline 283 with serine.
Molecular consequence: missense variant.
Genome position (GRCh38, 1-based): chr12:53,309,245, G>A on the plus strand (C>T on the coding strand, the complement: AAAS is on the minus strand). VCF-style: chr12-53309245-G-A. GRCh37 (hg19) VCF-style: chr12-53703029-G-A.
Other names: c.748C>T, p.Pro250Ser (NM_001173466.2); short protein forms P250S, P283S.
Identifiers: ClinVar variation 1676249 (VCV001676249.2), dbSNP rs1745022731, ClinGen allele CA385042086.